The following is an entry in ClinVar:

ClinVar aggregate classification (germline): Uncertain significance. Review status: criteria provided, multiple submitters, no conflicts (2 of 4 stars). 2 submissions from 2 submitters: Uncertain significance (2). Last evaluated 2022-03-01.

Conditions:
FGFR2-related craniosynostosis. Identifiers: MedGen CN231480.
Acrocephalosyndactyly type I (ACS1). Also called: Apert syndrome; Acrocephalo-syndactyly type 1; ACS 1; Syndactylic oxycephaly. Identifiers: Orphanet 87, MedGen C0001193, MONDO:0007041, OMIM 101200.
Beare-Stevenson cutis gyrata syndrome (BSTVS). Identifiers: Orphanet 1555, MedGen C1852406, MONDO:0007412, OMIM 123790.
Pfeiffer syndrome (ACS5). Also called: ACS V. Identifiers: Orphanet 710, MedGen C0220658, MONDO:0007043, OMIM 101600.
Gastric cancer. Also called: Stomach cancer; Malignant tumor of stomach. Identifiers: MedGen C0024623, MeSH D013274, MONDO:0001056, OMIM 613659, HP:0012126.
Saethre-Chotzen syndrome (SCS). Also called: ACROCEPHALY, SKULL ASYMMETRY, AND MILD SYNDACTYLY; ACS III; CHOTZEN SYNDROME. Identifiers: Orphanet 794, MedGen C0175699, MONDO:0007042, OMIM 101400.
Familial scaphocephaly syndrome, McGillivray type. Also called: SCAPHOCEPHALY, MAXILLARY RETRUSION, AND IMPAIRED INTELLECTUAL DEVELOPMENT. Identifiers: Orphanet 168624, MedGen C1865070, MONDO:0012307, OMIM 609579.
Crouzon syndrome. Also called: CRANIOFACIAL DYSOSTOSIS, TYPE I; Craniofacial dysostosis; Craniofacial dysostosis type 1; Crouzon craniofacial dysostosis; Crouzon disease. Identifiers: Orphanet 207, MedGen C0010273, MeSH D003394, MONDO:0007405, OMIM 123500, HP:0004439.
Antley-Bixler syndrome without genital anomalies or disordered steroidogenesis (ABS2). Also called: MULTISYNOSTOTIC OSTEODYSGENESIS WITH LONG BONE FRACTURES; Antley-Bixler Syndrome, Autosomal Dominant; Trapezoidocephaly synostosis syndrome; Osteodysgenesis, multisynostotic with fractures. Identifiers: Orphanet 596008, Orphanet 83, MedGen C2936791, MONDO:0020667, OMIM 207410.
Jackson-Weiss syndrome (JWS). Also called: CRANIOSYNOSTOSIS, MIDFACIAL HYPOPLASIA, AND FOOT ABNORMALITIES. Identifiers: Orphanet 1540, MedGen C0795998, MONDO:0007400, OMIM 123150. Disease mechanism: loss of function.
Bent bone dysplasia syndrome 1 (BBDS1). Also called: FGFR2-related bent bone dysplasia. Identifiers: Orphanet 313855, MedGen C3281247, MONDO:0013815, OMIM 614592.
Levy-Hollister syndrome (LADD). Also called: LADD syndrome. Identifiers: Orphanet 2363, MedGen C0265269, MONDO:0007872.

Allele frequency attached by ClinVar (database versions not stated): gnomAD exomes 0.00001 and 0.00002; ExAC 0.00002; gnomAD 0.00002; TOPMed 0.00002; ESP Exome Variant Server 0.00008.
gnomAD v4.1: 23 of 1,614,004 alleles (0.0014%); highest among the groups gnomAD compares: African/African-American, 0.0027%; no homozygotes.

Submissions (2):

Fulgent Genetics
Classification: Uncertain significance for Acrocephalosyndactyly type I; Saethre-Chotzen syndrome; Pfeiffer syndrome; Jackson-Weiss syndrome; Crouzon syndrome; Beare-Stevenson cutis gyrata syndrome; LADD syndrome 1; Antley-Bixler syndrome without genital anomalies or disordered steroidogenesis; Familial scaphocephaly syndrome, McGillivray type; Gastric cancer; Bent bone dysplasia syndrome 1. Last evaluated: 2022-03-01. Review status: criteria provided, single submitter. Criteria: ACMG Guidelines, 2015. Collection method: clinical testing. Allele origin: unknown.

Labcorp Genetics (formerly Invitae), Labcorp
Classification: Uncertain significance for FGFR2-related craniosynostosis. Last evaluated: 2021-08-17. Review status: criteria provided, single submitter. Criteria: Invitae Variant Classification Sherloc (09022015). Collection method: clinical testing. Allele origin: germline.
Comment: In summary, the available evidence is currently insufficient to determine the role of this variant in disease. Therefore, it has been classified as a Variant of Uncertain Significance. Algorithms developed to predict the effect of missense changes on protein structure and function are either unavailable or do not agree on the potential impact of this missense change (SIFT: "Tolerated"; PolyPhen-2: "Probably Damaging"; Align-GVGD: "Class C0"). This variant has not been reported in the literature in individuals affected with FGFR2-related conditions. This variant is present in population databases (rs372348666, ExAC 0.02%). This sequence change replaces proline with leucine at codon 413 of the FGFR2 protein (p.Pro413Leu). The proline residue is moderately conserved and there is a moderate physicochemical difference between proline and leucine.

NM_000141.5(FGFR2):c.1238C>T (p.Pro413Leu)

Gene: FGFR2 (fibroblast growth factor receptor 2; minus strand). Cytogenetic location: 10q26.13.
Variant type: single nucleotide variant.
Coding change: c.1238C>T on transcript NM_000141.5 (MANE Select); coding-DNA position 1238, C replaced by T.
Protein change: p.Pro413Leu; replaces proline 413 with leucine.
Molecular consequence: missense variant. On other transcripts: non-coding transcript variant (1), intron variant (1).
Genome position (GRCh38, 1-based): chr10:121,515,166, G>A on the plus strand (C>T on the coding strand, the complement: FGFR2 is on the minus strand). VCF-style: chr10-121515166-G-A. GRCh37 (hg19) VCF-style: chr10-123274680-G-A.
Other names: c.1241C>T, p.Pro414Leu (NM_001144913.1, NM_022970.4); c.902C>T, p.Pro301Leu (NM_001144914.1); c.971C>T, p.Pro324Leu (NM_001144915.2, NM_023029.3); c.893C>T, p.Pro298Leu (NM_001144916.2, NM_001144918.2); c.974C>T, p.Pro325Leu (NM_001144919.2); c.554C>T, p.Pro185Leu (NM_001320654.2); c.1238C>T, p.Pro413Leu (NM_001320658.2); c.939+4813C>T (NM_001144917.2); short protein forms P298L, P185L, P301L, P324L, P325L, P414L, P413L.
Identifiers: ClinVar variation 1373931 (VCV001373931.7), dbSNP rs372348666, ClinGen allele CA5720813.
Genomic context (GRCh38, chr10:121,515,166, plus strand): 5'-TATCTACTTTCTGTTACCTGTCTCCGCAGGGGGATACGTTTGGTCAGCTTGTGCACAGCC[G>A]GCTGGCTGCTGAAGTCTGGCTTCTTGGTCGTGTTCTTCATTCGGCACAGGATGACTGTTA-3'
Protein context (NP_000132.3, residues 403-423): TTKKPDFSSQ[Pro413Leu]AVHKLTKRIP